The following is an entry in ClinVar:

ClinVar aggregate classification (germline): Conflicting classifications of pathogenicity. Review status: criteria provided, conflicting classifications (1 of 4 stars). 8 submissions from 8 submitters: Uncertain significance (4); Likely benign (3). 1 of the submissions does not count toward it. Last evaluated 2026-01-27.

Conditions:
Inborn genetic diseases. Identifiers: MedGen C0950123, MeSH D030342.
Usher syndrome type 2A. Also called: RETINAL DISEASE IN USHER SYNDROME TYPE IIA, MODIFIER OF; USHER SYNDROME, TYPE IIA. Identifiers: Orphanet 231178, Orphanet 886, MedGen C1848634, MONDO:0010169, OMIM 276901.

Allele frequency attached by ClinVar (database versions not stated): ExAC 0.00007; gnomAD exomes 0.00008; gnomAD 0.00013 and 0.00016; TOPMed 0.00014; 1000 Genomes Project 30x 0.00016; 1000 Genomes Project 0.00020.
gnomAD v4.1: 63 of 1,613,900 alleles (0.0039%); highest among the groups gnomAD compares: Middle Eastern, 0.12%; no homozygotes.

Submissions (8):

Labcorp Genetics (formerly Invitae), Labcorp
Classification: Likely benign. Last evaluated: 2026-01-27. Review status: criteria provided, single submitter. Criteria: Invitae Variant Classification Sherloc (09022015). Collection method: clinical testing. Allele origin: germline.

Blueprint Genetics
Classification: Uncertain significance. Last evaluated: 2023-09-11. Review status: criteria provided, single submitter. Criteria: ACMG Guidelines, 2015. Collection method: clinical testing. Allele origin: germline.

ARUP Laboratories, Molecular Genetics and Genomics, ARUP Laboratories
Classification: Uncertain significance. Last evaluated: 2021-09-01. Review status: criteria provided, single submitter. Criteria: ARUP Molecular Germline Variant Investigation Process 2021. Collection method: clinical testing. Allele origin: germline.

Ambry Genetics
Classification: Uncertain significance for Inborn genetic diseases. Last evaluated: 2021-07-09. Review status: criteria provided, single submitter. Criteria: Ambry Variant Classification Scheme 2023. Collection method: clinical testing. Allele origin: germline.

Genome-Nilou Lab
Classification: Likely benign for Usher syndrome type 2A. Last evaluated: 2021-05-18. Review status: criteria provided, single submitter. Criteria: ACMG Guidelines, 2015. Collection method: clinical testing. Allele origin: germline. Affected: no.

Eurofins Ntd Llc (ga)
Classification: Uncertain significance. Last evaluated: 2017-02-01. Review status: criteria provided, single submitter. Criteria: EGL Classification Definitions 2015. Collection method: clinical testing. Allele origin: germline. Observed: 1 variant allele, 1 heterozygote.

Laboratory for Molecular Medicine, Mass General Brigham Personalized Medicine
Classification: Likely benign. Last evaluated: 2014-05-29. Review status: criteria provided, single submitter. Criteria: LMM Criteria. Collection method: clinical testing. Allele origin: germline. Observed: 1 variant allele.
Comment: Ala3230Thr in exon 49 of USH2A: This variant is not expected to have clinical si gnificance due to a lack of conservation across species, including mammals. Of n ote, three mammals (sheep, domestic gaot, and Tibetan antelope) have a Thr (Thre onine) at this position. In addition, computational prediction tools suggest thi s variant may not impact the protein.

Natera, Inc.
Classification: Uncertain significance for Usher syndrome type 2A. Last evaluated: 2019-11-06. Review status: no assertion criteria provided. Collection method: clinical testing. Allele origin: germline. Not counted in ClinVar's aggregate classification.

NM_206933.4(USH2A):c.9688G>A (p.Ala3230Thr)

Gene: USH2A (usherin; minus strand). Cytogenetic location: 1q41.
Variant type: single nucleotide variant.
Coding change: c.9688G>A on transcript NM_206933.4 (MANE Select); coding-DNA position 9688, G replaced by A.
Protein change: p.Ala3230Thr; replaces alanine 3230 with threonine.
Molecular consequence: missense variant.
Genome position (GRCh38, 1-based): chr1:215,813,787, C>T on the plus strand (G>A on the coding strand, the complement: USH2A is on the minus strand). VCF-style: chr1-215813787-C-T. GRCh37 (hg19) VCF-style: chr1-215987129-C-T.
Other names: short protein forms A3230T.
Identifiers: ClinVar variation 179749 (VCV000179749.26), dbSNP rs528342000, ClinGen allele CA185062.